The following is an entry in ClinVar:

ClinVar aggregate classification (germline): Likely benign. Review status: criteria provided, multiple submitters, no conflicts (2 of 4 stars). 2 submissions from 2 submitters: Likely benign (2). Last evaluated 2024-04-08.

Allele frequency attached by ClinVar (database versions not stated): gnomAD 0.00001; TOPMed 0.00002.

Submissions (2):

Labcorp Genetics (formerly Invitae), Labcorp
Classification: Likely benign. Last evaluated: 2024-04-08. Review status: criteria provided, single submitter. Criteria: Invitae Variant Classification Sherloc (09022015). Collection method: clinical testing. Allele origin: germline.

CeGaT Center for Human Genetics Tuebingen
Classification: Likely benign. Last evaluated: 2024-02-01. Review status: criteria provided, single submitter. Criteria: CeGaT Center For Human Genetics Tuebingen Variant Classification Criteria Version 2. Collection method: clinical testing. Allele origin: germline. Affected: yes. Observed: 1 variant allele.
Comment: TWNK: BP4, BP7

NM_021830.5(TWNK):c.1617C>T (p.Ile539=)

Gene: TWNK (twinkle mtDNA helicase; plus strand). Cytogenetic location: 10q24.31.
Variant type: single nucleotide variant.
Coding change: c.1617C>T on transcript NM_021830.5 (MANE Select); coding-DNA position 1617, C replaced by T.
Protein change: p.Ile539=; no amino-acid change (isoleucine 539 retained).
Molecular consequence: synonymous variant. On other transcripts: non-coding transcript variant (5).
Genome position (GRCh38, 1-based): chr10:100,990,893, C>T. VCF-style: chr10-100990893-C-T. GRCh37 (hg19) VCF-style: chr10-102750650-C-T.
Other names: c.1617C>T, p.Ile539= (NM_001163812.2); c.255C>T, p.Ile85= (NM_001163813.2, NM_001163814.2, NM_001368275.1).
Identifiers: ClinVar variation 1667615 (VCV001667615.30), dbSNP rs759011955, ClinGen allele CA5653298.